The following is an entry in ClinVar:

NM_006005.3(WFS1):c.2223_2226del (p.Cys742fs)

Gene: WFS1 (wolframin ER transmembrane glycoprotein; plus strand). Cytogenetic location: 4p16.1.
Variant type: Microsatellite.
Coding change: c.2223_2226del on transcript NM_006005.3 (MANE Select); coding-DNA positions 2223 to 2226, 4 bases deleted (CTGC; older notation c.2223_2226delCTGC).
Protein change: p.Cys742fs; shifts the reading frame from cysteine 742.
Molecular consequence: frameshift variant.
Genome position (GRCh38, 1-based): chr4:6,302,018-6,302,021, CTGC deleted; deleting any 4 consecutive bases within chr4:6,302,013-6,302,021 gives the same sequence; the c. name uses the placement nearest the transcript's 3' end. VCF-style (leftmost placement, unchanged base first): chr4-6302012-CCCTG-C. GRCh37 (hg19) VCF-style: chr4-6303739-CCCTG-C.
Other names: c.2223_2226del, p.Cys742fs (NM_001145853.1); short protein forms C742fs.
Identifiers: ClinVar variation 4855461 (VCV004855461.1).

ClinVar aggregate classification (germline): Likely pathogenic (1 of 4 stars; one submission).

Conditions:
Wolfram syndrome 1 (WFS1). Identifiers: Orphanet 3463, MedGen C4551693, MONDO:0009101, OMIM 222300.

Submission:

3billion
Classification: Likely pathogenic for Wolfram syndrome 1. Last evaluated: 2025-12-23. Review status: criteria provided, single submitter. Criteria: ACMG Guidelines, 2015. Collection method: clinical testing. Allele origin: germline. Affected: yes.
Comment: The variant is not observed in the gnomAD v4.1.0 dataset. Predicted Consequence/Location: Frameshift: predicted to result in a loss or disruption of normal protein function through protein truncation. The predicted truncated protein may be shortened by more than 10%. Therefore, this variant is classified as Likely pathogenic according to the recommendation of ACMG/AMP guideline.